The following is an entry in ClinVar:

ClinVar aggregate classification (germline): Uncertain significance. Review status: criteria provided, multiple submitters, no conflicts (2 of 4 stars). 3 submissions from 3 submitters: Uncertain significance (2). 1 of the submissions does not count toward it. Last evaluated 2024-10-24.

Conditions:
Hereditary cancer-predisposing syndrome. Also called: Neoplastic Syndromes, Hereditary; Hereditary neoplastic syndrome; Tumor predisposition; Hereditary Cancer Syndrome. Identifiers: Orphanet 140162, MedGen C0027672, MeSH D009386, MONDO:0015356.
TSC2-related disorder. Also called: TSC2-Related Disorders; TSC2-related condition.
Tuberous sclerosis 2 (TSC2). Identifiers: Orphanet 805, MedGen C1860707, MONDO:0013199, OMIM 613254.

Submissions (3):

Ambry Genetics
Classification: Uncertain significance for Hereditary cancer-predisposing syndrome. Last evaluated: 2024-10-24. Review status: criteria provided, single submitter. Criteria: Ambry Variant Classification Scheme 2023. Collection method: clinical testing. Allele origin: germline.
Comment: The p.T996I variant (also known as c.2987C>T), located in coding exon 26 of the TSC2 gene, results from a C to T substitution at nucleotide position 2987. The threonine at codon 996 is replaced by isoleucine, an amino acid with similar properties. This amino acid position is conserved. In addition, this alteration is predicted to be deleterious by in silico analysis. Based on the available evidence, the clinical significance of this variant remains unclear.

Labcorp Genetics (formerly Invitae), Labcorp
Classification: Uncertain significance for Tuberous sclerosis 2. Last evaluated: 2021-08-20. Review status: criteria provided, single submitter. Criteria: Invitae Variant Classification Sherloc (09022015). Collection method: clinical testing. Allele origin: germline.
Comment: This sequence change replaces threonine with isoleucine at codon 996 of the TSC2 protein (p.Thr996Ile). The threonine residue is highly conserved and there is a moderate physicochemical difference between threonine and isoleucine. This variant is not present in population databases (ExAC no frequency). This variant has not been reported in the literature in individuals affected with TSC2-related conditions. Algorithms developed to predict the effect of missense changes on protein structure and function are either unavailable or do not agree on the potential impact of this missense change (SIFT: "Deleterious"; PolyPhen-2: "Probably Damaging"; Align-GVGD: "Class C0"). In summary, the available evidence is currently insufficient to determine the role of this variant in disease. Therefore, it has been classified as a Variant of Uncertain Significance.

PreventionGenetics, part of Exact Sciences
Classification: Uncertain significance for TSC2-related condition. Last evaluated: 2024-02-01. Review status: no assertion criteria provided. Collection method: clinical testing. Allele origin: germline. Not counted in ClinVar's aggregate classification.
Comment: The TSC2 c.2987C>T variant is predicted to result in the amino acid substitution p.Thr996Ile. To our knowledge, this variant has not been reported in the literature or in a large population database, indicating this variant is rare. At this time, the clinical significance of this variant is uncertain due to the absence of conclusive functional and genetic evidence.

NM_000548.5(TSC2):c.2987C>T (p.Thr996Ile)

Gene: TSC2 (TSC complex subunit 2; plus strand). Cytogenetic location: 16p13.3.
Variant type: single nucleotide variant.
Coding change: c.2987C>T on transcript NM_000548.5 (MANE Select); coding-DNA position 2987, C replaced by T.
Protein change: p.Thr996Ile; replaces threonine 996 with isoleucine.
Molecular consequence: missense variant.
Genome position (GRCh38, 1-based): chr16:2,079,052, C>T. VCF-style: chr16-2079052-C-T. GRCh37 (hg19) VCF-style: chr16-2129053-C-T.
Other names: c.2855C>T, p.Thr952Ile (NM_001077183.3, NM_001370404.1); c.2987C>T, p.Thr996Ile (NM_001114382.3); c.2747C>T, p.Thr916Ile (NM_001318827.2); c.2711C>T, p.Thr904Ile (NM_001318829.2); c.2255C>T, p.Thr752Ile (NM_001318831.2); c.2888C>T, p.Thr963Ile (NM_001318832.2); c.2858C>T, p.Thr953Ile (NM_001363528.2, NM_001370405.1, NM_021055.3); c.2987C>T (NM_000548.4); short protein forms T904I, T996I, T953I, T916I, T952I, T752I, T963I.
Identifiers: ClinVar variation 663317 (VCV000663317.5), dbSNP rs1596382185, ClinGen allele CA394283647.
Genomic context (GRCh38, chr16:2,079,052, plus strand): 5'-TACCTGGCACCCTGACCCTGGTCACGGCCTCTCCCTCCAGCAGGATACAGACGTCCCTCA[C>T]CAGTGCCAGCTTGGGGTCTGCAGATGAGAACTCCGTGGCCCAGGCTGACGATAGCCTGAA-3'
Protein context (NP_000539.2, residues 986-1006): VVRSRIQTSL[Thr996Ile]SASLGSADEN